The following is an entry in ClinVar:

NM_024675.4(PALB2):c.238G>A (p.Asp80Asn)

Gene: PALB2 (partner and localizer of BRCA2; minus strand). Cytogenetic location: 16p12.2.
Variant type: single nucleotide variant.
Coding change: c.238G>A on transcript NM_024675.4 (MANE Select); coding-DNA position 238, G replaced by A.
Protein change: p.Asp80Asn; replaces aspartic acid 80 with asparagine.
Molecular consequence: missense variant.
Genome position (GRCh38, 1-based): chr16:23,636,308, C>T on the plus strand (G>A on the coding strand, the complement: PALB2 is on the minus strand). VCF-style: chr16-23636308-C-T. GRCh37 (hg19) VCF-style: chr16-23647629-C-T.
Other names: short protein forms D80N.
Identifiers: ClinVar variation 1054474 (VCV001054474.10), dbSNP rs2142447895, ClinGen allele CA395138936.
Genomic context (GRCh38, chr16:23,636,308, plus strand): 5'-GTGTGATAGATGTCTTTTCTCCAGTTTCTTCATCAAGATGGGTTTTGATGTGTAACTTGT[C>T]ATAAACACATATTTTATTTTTAGGTTCTGAGGAGGAAAAAAATGTATATAACTTATATTT-3'
Protein context (NP_078951.2, residues 70-90): SEPKNKICVY[Asp80Asn]KLHIKTHLDE

ClinVar aggregate classification (germline): Uncertain significance (1 of 4 stars; one submission).

Conditions:
Familial cancer of breast. Also called: BREAST CANCER, FAMILIAL; Hereditary breast cancer; hereditary breast carcinoma. Identifiers: Orphanet 227535, MedGen C0346153, MONDO:0016419, OMIM 114480. Disease mechanism: loss of function.

Submission:

Labcorp Genetics (formerly Invitae), Labcorp
Classification: Uncertain significance for Familial cancer of breast. Last evaluated: 2025-07-29. Review status: criteria provided, single submitter. Criteria: Invitae Variant Classification Sherloc (09022015). Collection method: clinical testing. Allele origin: germline.
Comment: This sequence change replaces aspartic acid, which is acidic and polar, with asparagine, which is neutral and polar, at codon 80 of the PALB2 protein (p.Asp80Asn). This variant is not present in population databases (gnomAD no frequency). This variant has not been reported in the literature in individuals affected with PALB2-related conditions. ClinVar contains an entry for this variant (Variation ID: 1054474). An algorithm developed to predict the effect of missense changes on protein structure and function outputs the following: PolyPhen-2: "Benign". The asparagine amino acid residue is found in multiple mammalian species, which suggests that this missense change does not adversely affect protein function. In summary, the available evidence is currently insufficient to determine the role of this variant in disease. Therefore, it has been classified as a Variant of Uncertain Significance.